The following is an entry in ClinVar:

ClinVar aggregate classification (germline): Uncertain significance. Review status: criteria provided, multiple submitters, no conflicts (2 of 4 stars). 3 submissions from 3 submitters: Uncertain significance (3). Last evaluated 2025-11-26.

Submissions (3):

Ambry Genetics
Classification: Uncertain significance. Last evaluated: 2025-11-26. Review status: criteria provided, single submitter. Criteria: Ambry Variant Classification Scheme 2023. Collection method: clinical testing. Allele origin: germline.

Labcorp Genetics (formerly Invitae), Labcorp
Classification: Uncertain significance. Last evaluated: 2024-11-27. Review status: criteria provided, single submitter. Criteria: Invitae Variant Classification Sherloc (09022015). Collection method: clinical testing. Allele origin: germline.
Comment: This sequence change replaces arginine, which is basic and polar, with histidine, which is basic and polar, at codon 699 of the KANK2 protein (p.Arg699His). This variant is present in population databases (rs376926134, gnomAD 0.03%). This variant has not been reported in the literature in individuals affected with KANK2-related conditions. An algorithm developed to predict the effect of missense changes on protein structure and function (PolyPhen-2) suggests that this variant is likely to be disruptive. In summary, the available evidence is currently insufficient to determine the role of this variant in disease. Therefore, it has been classified as a Variant of Uncertain Significance.

Blueprint Genetics
Classification: Uncertain significance. Last evaluated: 2022-06-30. Review status: criteria provided, single submitter. Criteria: ACMG Guidelines, 2015. Collection method: clinical testing. Allele origin: germline.

NM_001136191.3(KANK2):c.2096G>A (p.Arg699His)

Gene: KANK2 (KN motif and ankyrin repeat domains 2; minus strand). Cytogenetic location: 19p13.2.
Variant type: single nucleotide variant.
Coding change: c.2096G>A on transcript NM_001136191.3 (MANE Select); coding-DNA position 2096, G replaced by A.
Protein change: p.Arg699His; replaces arginine 699 with histidine.
Molecular consequence: missense variant.
Genome position (GRCh38, 1-based): chr19:11,173,096, C>T on the plus strand (G>A on the coding strand, the complement: KANK2 is on the minus strand). VCF-style: chr19-11173096-C-T. GRCh37 (hg19) VCF-style: chr19-11283772-C-T.
Other names: c.2096G>A, p.Arg699His (NM_001329451.2, NM_001379555.1, NM_001379556.1 and 7 more transcripts); c.2120G>A, p.Arg707His (NM_001379548.1, NM_001379549.1, NM_001379550.1 and 5 more transcripts); c.2120G>A (NM_015493.6); short protein forms R707H, R699H.
Identifiers: ClinVar variation 3635354 (VCV003635354.4).